The following is an entry in ClinVar:

NM_001267550.2(TTN):c.23044G>A (p.Glu7682Lys)

Gene: TTN (titin; minus strand). Cytogenetic location: 2q31.2.
Variant type: single nucleotide variant.
Coding change: c.23044G>A on transcript NM_001267550.2 (MANE Select); coding-DNA position 23044, G replaced by A.
Protein change: p.Glu7682Lys; replaces glutamic acid 7682 with lysine.
Molecular consequence: missense variant. On other transcripts: intron variant (3).
Genome position (GRCh38, 1-based): chr2:178,720,975, C>T on the plus strand (G>A on the coding strand, the complement: TTN is on the minus strand). VCF-style: chr2-178720975-C-T. GRCh37 (hg19) VCF-style: chr2-179585702-C-T.
Other names: c.22093G>A, p.Glu7365Lys (NM_001256850.1); c.19312G>A, p.Glu6438Lys (NM_133378.4); c.13282+17107G>A (NM_003319.4); c.13858+17107G>A (NM_133437.4); c.13657+17107G>A (NM_133432.3); short protein forms E6438K, E7365K, E7682K.
Identifiers: ClinVar variation 2437975 (VCV002437975.27), dbSNP rs761584703, ClinGen allele CA2000727.

ClinVar aggregate classification (germline): Uncertain significance. Review status: criteria provided, multiple submitters, no conflicts (2 of 4 stars). 2 submissions from 2 submitters: Uncertain significance (2). Last evaluated 2024-04-12.

Allele frequency attached by ClinVar (database versions not stated): gnomAD 0.00001; ExAC 0.00002; gnomAD exomes 0.00003; TOPMed 0.00003.
gnomAD v4.1: 50 of 1,608,026 alleles (0.0031%); highest among the groups gnomAD compares: Middle Eastern, 0.016%; no homozygotes.

Submissions (2):

Revvity Omics, Revvity
Classification: Uncertain significance. Last evaluated: 2024-04-12. Review status: criteria provided, single submitter. Criteria: ACMG Guidelines, 2015. Collection method: clinical testing. Allele origin: germline.

CeGaT Center for Human Genetics Tuebingen
Classification: Uncertain significance. Last evaluated: 2023-08-01. Review status: criteria provided, single submitter. Criteria: CeGaT Center For Human Genetics Tuebingen Variant Classification Criteria Version 2. Collection method: clinical testing. Allele origin: germline. Affected: yes. Observed: 1 variant allele.
Comment: TTN: PM2